The following is an entry in ClinVar:

ClinVar aggregate classification (germline): Uncertain significance (1 of 4 stars; one submission).

Conditions:
PCNT-related disorder. Also called: PCNT-related condition.

gnomAD v4.1: 6 of 1,613,888 alleles (0.00037%); highest among the groups gnomAD compares: Admixed American, 0.0033%; no homozygotes.

Submission:

PreventionGenetics, part of Exact Sciences
Classification: Uncertain significance for PCNT-related condition. Last evaluated: 2025-11-12. Review status: criteria provided, single submitter. Criteria: ACMG Guidelines, 2015. Collection method: clinical testing. Allele origin: germline.
Comment: The PCNT c.1756C>T variant is predicted to result in the amino acid substitution p.His586Tyr. To our knowledge, this variant has not been reported in the literature or in a large population database (gnomAD), indicating this variant is rare. At this time, the clinical significance of this variant is uncertain due to the absence of conclusive functional and genetic evidence.

NM_006031.6(PCNT):c.1756C>T (p.His586Tyr)

Gene: PCNT (pericentrin; plus strand). Cytogenetic location: 21q22.3.
Variant type: single nucleotide variant.
Coding change: c.1756C>T on transcript NM_006031.6 (MANE Select); coding-DNA position 1756, C replaced by T.
Protein change: p.His586Tyr; replaces histidine 586 with tyrosine.
Molecular consequence: missense variant.
Genome position (GRCh38, 1-based): chr21:46,354,063, C>T. VCF-style: chr21-46354063-C-T. GRCh37 (hg19) VCF-style: chr21-47773977-C-T.
Other names: c.1402C>T, p.His468Tyr (NM_001315529.2); short protein forms H468Y, H586Y.
Identifiers: ClinVar variation 4985729 (VCV004985729.1).